The following is an entry in ClinVar:

NM_006031.6(PCNT):c.4348C>T (p.His1450Tyr)

Gene: PCNT (pericentrin; plus strand). Cytogenetic location: 21q22.3.
Variant type: single nucleotide variant.
Coding change: c.4348C>T on transcript NM_006031.6 (MANE Select); coding-DNA position 4348, C replaced by T.
Protein change: p.His1450Tyr; replaces histidine 1450 with tyrosine.
Molecular consequence: missense variant.
Genome position (GRCh38, 1-based): chr21:46,397,396, C>T. VCF-style: chr21-46397396-C-T. GRCh37 (hg19) VCF-style: chr21-47817310-C-T.
Other names: c.3994C>T, p.His1332Tyr (NM_001315529.2); short protein forms H1332Y, H1450Y.
Identifiers: ClinVar variation 4994621 (VCV004994621.1).

ClinVar aggregate classification (germline): Uncertain significance (1 of 4 stars; one submission).

Conditions:
PCNT-related disorder. Also called: PCNT-related condition.

Submission:

PreventionGenetics, part of Exact Sciences
Classification: Uncertain significance for PCNT-related condition. Last evaluated: 2026-07-23. Review status: criteria provided, single submitter. Criteria: ACMG Guidelines, 2015. Collection method: clinical testing. Allele origin: germline.
Comment: The PCNT c.4348C>T variant is predicted to result in the amino acid substitution p.His1450Tyr. To our knowledge, this variant has not been reported in the literature or in a large population database (gnomAD), indicating this variant is rare. At this time, the clinical significance of this variant is uncertain due to the absence of conclusive functional and genetic evidence.